The following is an entry in ClinVar:

ClinVar aggregate classification (germline): Pathogenic (1 of 4 stars; one submission).

Conditions:
Congenital myasthenic syndrome (CMS). Also called: Congenital Myasthenic Syndromes. Identifiers: Orphanet 590, MedGen C0751882, MeSH D020294, MONDO:0018940.

Submission:

Myriad Genetics, Inc.
Classification: Pathogenic for Congenital myasthenic syndrome. Last evaluated: 2026-07-16. Review status: criteria provided, single submitter. Criteria: Myriad Autosomal Dominant, Autosomal Recessive and X-Linked Classification Criteria (2023). Collection method: clinical testing. Allele origin: unknown.
Comment: NM_000080.3(CHRNE):c.220delG(V74Sfs*22) is expected to be pathogenic in the context of congenital myasthenic syndrome, CHRNE-related. This variant is predicted to lead to an abnormal or absent protein product due to the creation of a premature termination codon in CHRNE, a gene where loss-of-function variants are known to be pathogenic. Please note: this variant was assessed in the context of healthy population screening.

NM_000080.4(CHRNE):c.220del (p.Val74fs)

Genes: CHRNE (cholinergic receptor nicotinic epsilon subunit; minus strand), C17orf107 (chromosome 17 open reading frame 107; plus strand). Cytogenetic location: 17p13.2.
Variant type: Deletion.
Coding change: c.220del on transcript NM_000080.4 (MANE Select); coding-DNA position 220, one base deleted (G; older notation c.220delG).
Protein change: p.Val74fs; shifts the reading frame from valine 74.
Molecular consequence: frameshift variant. On other transcripts: 3 prime UTR variant (1).
Genome position (GRCh38, 1-based): chr17:4,902,464, C deleted on the plus strand (G on the coding strand, the reverse complement: CHRNE is on the minus strand). VCF-style (leftmost placement, unchanged base first): chr17-4902463-AC-A. GRCh37 (hg19) VCF-style: chr17-4805758-AC-A.
Other names: c.*1931del (NM_001145536.2); short protein forms V74fs.
Identifiers: ClinVar variation 5016131 (VCV005016131.1).